The following is an entry in ClinVar:

NM_016492.5(RANGRF):c.534C>T (p.His178=)

Genes: RANGRF (RAN guanine nucleotide release factor; plus strand), SLC25A35 (solute carrier family 25 member 35; minus strand). Cytogenetic location: 17p13.1.
Variant type: single nucleotide variant.
Coding change: c.534C>T on transcript NM_016492.5 (MANE Select); coding-DNA position 534, C replaced by T.
Protein change: p.His178=; no amino-acid change (histidine 178 retained).
Molecular consequence: synonymous variant. On other transcripts: 3 prime UTR variant (3), missense variant (3), non-coding transcript variant (2).
Genome position (GRCh38, 1-based): chr17:8,289,909, C>T. VCF-style: chr17-8289909-C-T. GRCh37 (hg19) VCF-style: chr17-8193227-C-T.
Other names: c.*317C>T (NM_001177801.2); c.*348C>T (NM_001177802.2); c.*91C>T (NM_001330127.2); c.805G>A, p.Val269Met (NM_001320871.2, NM_001320872.2, NM_201520.3); short protein forms V269M.
Identifiers: ClinVar variation 1561897 (VCV001561897.10), dbSNP rs746275946, ClinGen allele CA8374464.

ClinVar aggregate classification (germline): Likely benign. Review status: criteria provided, single submitter (1 of 4 stars). 2 submissions from 2 submitters: Likely benign (1). 1 of the submissions does not count toward it. Last evaluated 2025-12-23.

Conditions:
Cardiac arrhythmia. Also called: Arrhythmia; Cardiac rhythm disease. Identifiers: MedGen C0003811, MONDO:0007263, HP:0011675.
RANGRF-related disorder. Also called: RANGRF-related condition.

Allele frequency attached by ClinVar (database versions not stated): ExAC 0.00001.
gnomAD v4.1: 28 of 1,614,156 alleles (0.0017%); highest among the groups gnomAD compares: Non-Finnish European, 0.0023%; no homozygotes.

Submissions (2):

Labcorp Genetics (formerly Invitae), Labcorp
Classification: Likely benign for Cardiac arrhythmia. Last evaluated: 2025-12-23. Review status: criteria provided, single submitter. Criteria: Invitae Variant Classification Sherloc (09022015). Collection method: clinical testing. Allele origin: germline.

PreventionGenetics, part of Exact Sciences
Classification: Likely benign for RANGRF-related condition. Last evaluated: 2021-12-01. Review status: no assertion criteria provided. Collection method: clinical testing. Allele origin: germline. Not counted in ClinVar's aggregate classification.
Comment: This variant is classified as likely benign based on ACMG/AMP sequence variant interpretation guidelines (Richards et al. 2015 PMID: 25741868, with internal and published modifications).